The following is an entry in ClinVar:

NM_000444.6(PHEX):c.2248T>C (p.Ter750Gln)

Genes: PTCHD1-AS (PTCHD1 and PHEX antisense RNA; minus strand), PHEX (phosphate regulating endopeptidase X-linked; plus strand). Cytogenetic location: Xp22.11.
Variant type: single nucleotide variant.
Coding change: c.2248T>C on transcript NM_000444.6 (MANE Select); coding-DNA position 2248, T replaced by C.
Protein change: p.Ter750Gln.
Molecular consequence: stop lost. On other transcripts: 3 prime UTR variant (1).
Genome position (GRCh38, 1-based): chrX:22,247,951, T>C. VCF-style: chrX-22247951-T-C. GRCh37 (hg19) VCF-style: chrX-22266068-T-C.
Other names: c.*83T>C (NM_001282754.2).
Identifiers: ClinVar variation 1067096 (VCV001067096.9), dbSNP rs2147217463, ClinGen allele CA412575575.

ClinVar aggregate classification (germline): Likely pathogenic (1 of 4 stars; one submission).

Submission:

Labcorp Genetics (formerly Invitae), Labcorp
Classification: Likely pathogenic. Last evaluated: 2020-08-20. Review status: criteria provided, single submitter. Criteria: Invitae Variant Classification Sherloc (09022015). Collection method: clinical testing. Allele origin: germline.
Comment: This sequence change disrupts the translational stop signal of the PHEX mRNA. It is expected to extend the length of the PHEX protein by 9 additional amino acid residues. This variant is not present in population databases (ExAC no frequency). This variant has been observed in individuals with hypophosphatemia (PMID: 30682568, Invitae). Algorithms developed to predict the effect of sequence changes on RNA splicing suggest that this variant may create or strengthen a splice site, but this prediction has not been confirmed by published transcriptional studies. This variant results in an extension of the PHEX protein. Other variants that result in similarly extended protein products (p.*750Leuext*9, p.*750Tyrext*9) have been observed in individuals with PHEX-related conditions (PMID: 21050253, 26051471, Invitae). This suggests that these extensions may be clinically significant. In summary, the currently available evidence indicates that the variant is pathogenic, but additional data are needed to prove that conclusively. Therefore, this variant has been classified as Likely Pathogenic.

Literature cited by the submitters: PubMed 30682568; PubMed 21050253; PubMed 26051471.